The following is an entry in ClinVar:

NM_016122.3(CEP83):c.2054T>C (p.Leu685Pro)

Gene: CEP83 (centrosomal protein 83; minus strand). Cytogenetic location: 12q22.
Variant type: single nucleotide variant.
Coding change: c.2054T>C on transcript NM_016122.3 (MANE Select); coding-DNA position 2054, T replaced by C.
Protein change: p.Leu685Pro; replaces leucine 685 with proline.
Molecular consequence: missense variant. On other transcripts: non-coding transcript variant (2).
Genome position (GRCh38, 1-based): chr12:94,308,865, A>G on the plus strand (T>C on the coding strand, the complement: CEP83 is on the minus strand). VCF-style: chr12-94308865-A-G. GRCh37 (hg19) VCF-style: chr12-94702641-A-G.
Other names: c.2054T>C, p.Leu685Pro (NM_001042399.2, NM_001346457.2, NM_001368037.1 and 1 more transcripts); c.1742T>C, p.Leu581Pro (NM_001346458.2, NM_001346459.2, NM_001368039.1 and 1 more transcripts); c.1829T>C, p.Leu610Pro (NM_001368041.1); short protein forms L581P, L610P, L685P.
Identifiers: ClinVar variation 3377231 (VCV003377231.1).
Genomic context (GRCh38, chr12:94,308,865, plus strand): 5'-CAAGAACATCATTCTCCGGAAGATCCAAGTTCCTCTAGTTGTTTTCTTTGTGTTGTTTCC[A>G]GTTCTTCTAGTCTTTTGCGAAGTAGAGAGAGTTCCCTTTGATGTTGTTCCTCCTTAAAAT-3'
Protein context (NP_057206.2, residues 675-695): LSLLRKRLEE[Leu685Pro]ETTQRKQLEE

ClinVar aggregate classification (germline): Uncertain significance (1 of 4 stars; one submission).

Conditions:
Nephronophthisis 18 (NPHP18). Identifiers: Orphanet 655, MedGen C3890591, MONDO:0014374, OMIM 615862.

gnomAD v4.1: 2 of 1,613,046 alleles (0.00012%); highest among the groups gnomAD compares: South Asian, 0.0022%; no homozygotes.

Submission:

Victorian Clinical Genetics Services, Murdoch Childrens Research Institute
Classification: Uncertain significance for Nephronophthisis 18. Last evaluated: 2024-10-09. Review status: criteria provided, single submitter. Criteria: ACMG Guidelines, 2015. Collection method: clinical testing. Allele origin: germline. Inheritance: Autosomal recessive inheritance. Affected: yes.
Comment: Based on the classification scheme VCGS_Germline_v1.3.4, this variant is classified as VUS-3B. Following criteria are met: 0102 - Loss of function is a known mechanism of disease in this gene and is associated with nephronophthisis 18 (MIM#615862). (I) 0106 - This gene is associated with autosomal recessive disease. (I) 0200 - Variant is predicted to result in a missense amino acid change from leucine to proline. (I) 0252 - This variant is homozygous. (I) 0304 - Variant is present in gnomAD <0.01 for a recessive condition (v2: 1 heterozygote, 0 homozygotes). (SP) 0502 - Missense variant with conflicting in silico predictions and uninformative conservation. (I) 0600 - Variant is located in the annotated coiled-coil domain (UniProt, PMID: 24882706). (I) 0705 - No comparable missense variants have previous evidence for pathogenicity. (I) 0807 - This variant has no previous evidence of pathogenicity. (I) 0905 - No published segregation evidence has been identified for this variant. (I) 1007 - No published functional evidence has been identified for this variant. (I) Legend: (SP) - Supporting pathogenic, (I) - Information, (SB) - Supporting benign

Literature cited by the submitters: PubMed 24882706.